The following is an entry in ClinVar:

ClinVar aggregate classification (germline): Uncertain significance (1 of 4 stars; one submission).

Submission:

Labcorp Genetics (formerly Invitae), Labcorp
Classification: Uncertain significance. Last evaluated: 2023-10-31. Review status: criteria provided, single submitter. Criteria: Invitae Variant Classification Sherloc (09022015). Collection method: clinical testing. Allele origin: germline.
Comment: This sequence change replaces arginine, which is basic and polar, with leucine, which is neutral and non-polar, at codon 249 of the WNT1 protein (p.Arg249Leu). This variant is not present in population databases (gnomAD no frequency). This variant has not been reported in the literature in individuals affected with WNT1-related conditions. Advanced modeling of protein sequence and biophysical properties (such as structural, functional, and spatial information, amino acid conservation, physicochemical variation, residue mobility, and thermodynamic stability) performed at Invitae indicates that this missense variant is not expected to disrupt WNT1 protein function with a negative predictive value of 80%. In summary, the available evidence is currently insufficient to determine the role of this variant in disease. Therefore, it has been classified as a Variant of Uncertain Significance.

NM_005430.4(WNT1):c.746G>T (p.Arg249Leu)

Gene: WNT1 (Wnt family member 1; plus strand). Cytogenetic location: 12q13.12.
Variant type: single nucleotide variant.
Coding change: c.746G>T on transcript NM_005430.4 (MANE Select); coding-DNA position 746, G replaced by T.
Protein change: p.Arg249Leu; replaces arginine 249 with leucine.
Molecular consequence: missense variant.
Genome position (GRCh38, 1-based): chr12:48,981,273, G>T. VCF-style: chr12-48981273-G-T. GRCh37 (hg19) VCF-style: chr12-49375056-G-T.
Other names: short protein forms R249L.
Identifiers: ClinVar variation 2851065 (VCV002851065.3), dbSNP rs1413791425, ClinGen allele CA384634732.
Genomic context (GRCh38, chr12:48,981,273, plus strand): 5'-TGCGCACGTGCTGGATGCGGCTGCCCACGCTGCGCGCCGTGGGCGATGTGCTGCGCGACC[G>T]CTTCGACGGCGCCTCGCGCGTCCTGTACGGCAACCGCGGCAGCAACCGCGCTTCGCGGGC-3'
Protein context (NP_005421.1, residues 239-259): LRAVGDVLRD[Arg249Leu]FDGASRVLYG